The following is an entry in ClinVar:

NM_172245.4(CSF2RA):c.*48C>T

Gene: CSF2RA (colony stimulating factor 2 receptor subunit alpha; plus strand). Cytogenetic location: Yp11.2.
Variant type: single nucleotide variant.
Coding change: c.*48C>T on transcript NM_172245.4 (MANE Select); 48 bases downstream of the stop codon, C replaced by T.
Molecular consequence: 3 prime UTR variant. On other transcripts: missense variant (1), non-coding transcript variant (1), intron variant (6).
Genome position (GRCh38, 1-based): chrX:1,309,527, C>T. VCF-style: chrX-1309527-C-T. GRCh37 (hg19) VCF-style: chrX-1428420-C-T.
Other names: c.*48C>T (NM_001161529.2, NM_001161530.2, NM_001161532.2 and 8 more transcripts); c.*152C>T (NM_001379167.1, NM_001379168.1, NM_001379169.1 and 2 more transcripts); c.1072C>T, p.Arg358Trp (NM_172246.4); c.1125+4000C>T (NM_001379163.1, NM_001379162.1, NM_001379164.1 and 2 more transcripts); c.1126-2742C>T (NM_001379159.1); short protein forms R358W.
Identifiers: ClinVar variation 2629346 (VCV002629346.1), dbSNP rs368547679, ClinGen allele CA10331304.

ClinVar aggregate classification (germline): Uncertain significance (1 of 4 stars; one submission).

Conditions:
CSF2RA-related disorder. Also called: CSF2RA-related condition.

Allele frequency attached by ClinVar (database versions not stated): ESP Exome Variant Server 0.00008; ExAC 0.00012.
gnomAD v4.1: 84 of 1,613,934 alleles (0.0052%); highest among the groups gnomAD compares: Middle Eastern, 0.05%; 1 homozygote.

Submission:

PreventionGenetics, part of Exact Sciences
Classification: Uncertain significance for CSF2RA-related condition. Last evaluated: 2023-08-09. Review status: criteria provided, single submitter. Criteria: ACMG Guidelines, 2015. Collection method: clinical testing. Allele origin: germline.
Comment: The CSF2RA c.1072C>T variant is predicted to result in the amino acid substitution p.Arg358Trp. This variant corresponds to a post-coding position in the primary transcript for this gene (NM_006140.4:c.*48C>T). To our knowledge, this variant has not been reported in the literature. This variant is reported in 0.062% of alleles in individuals of South Asian descent in gnomAD. At this time, the clinical significance of this variant is uncertain due to the absence of conclusive functional and genetic evidence.